The following is an entry in ClinVar:

NM_004484.4(GPC3):c.116G>T (p.Arg39Leu)

Gene: GPC3 (glypican 3; minus strand). Cytogenetic location: Xq26.2.
Variant type: single nucleotide variant.
Coding change: c.116G>T on transcript NM_004484.4 (MANE Select); coding-DNA position 116, G replaced by T.
Protein change: p.Arg39Leu; replaces arginine 39 with leucine.
Molecular consequence: missense variant.
Genome position (GRCh38, 1-based): chrX:133,985,334, C>A on the plus strand (G>T on the coding strand, the complement: GPC3 is on the minus strand). VCF-style: chrX-133985334-C-A. GRCh37 (hg19) VCF-style: chrX-133119361-C-A.
Other names: c.116G>T, p.Arg39Leu (NM_001164617.2, NM_001164618.2, NM_001164619.2); short protein forms R39L.
Identifiers: ClinVar variation 2975233 (VCV002975233.3), dbSNP rs2076562809, ClinGen allele CA414707001.

ClinVar aggregate classification (germline): Uncertain significance (1 of 4 stars; one submission).

Conditions:
Wilms tumor 1 (WT1). Also called: Wilms tumor, somatic. Identifiers: Orphanet 654, MedGen CN033288, MONDO:0008679, OMIM 194070.

Submission:

Labcorp Genetics (formerly Invitae), Labcorp
Classification: Uncertain significance for Wilms tumor 1. Last evaluated: 2023-10-03. Review status: criteria provided, single submitter. Criteria: Invitae Variant Classification Sherloc (09022015). Collection method: clinical testing. Allele origin: germline.
Comment: This sequence change replaces arginine, which is basic and polar, with leucine, which is neutral and non-polar, at codon 39 of the GPC3 protein (p.Arg39Leu). This variant is not present in population databases (gnomAD no frequency). This variant has not been reported in the literature in individuals affected with GPC3-related conditions. Advanced modeling of protein sequence and biophysical properties (such as structural, functional, and spatial information, amino acid conservation, physicochemical variation, residue mobility, and thermodynamic stability) performed at Invitae indicates that this missense variant is expected to disrupt GPC3 protein function. In summary, the available evidence is currently insufficient to determine the role of this variant in disease. Therefore, it has been classified as a Variant of Uncertain Significance.